The following is an entry in ClinVar:

NM_017654.4(SAMD9):c.3722A>G (p.Asp1241Gly)

Gene: SAMD9 (sterile alpha motif domain containing 9; minus strand). Cytogenetic location: 7q21.2.
Variant type: single nucleotide variant.
Coding change: c.3722A>G on transcript NM_017654.4 (MANE Select); coding-DNA position 3722, A replaced by G.
Protein change: p.Asp1241Gly; replaces aspartic acid 1241 with glycine.
Molecular consequence: missense variant.
Genome position (GRCh38, 1-based): chr7:93,102,376, T>C on the plus strand (A>G on the coding strand, the complement: SAMD9 is on the minus strand). VCF-style: chr7-93102376-T-C. GRCh37 (hg19) VCF-style: chr7-92731689-T-C.
Other names: c.3722A>G, p.Asp1241Gly (NM_001193307.2); short protein forms D1241G.
Identifiers: ClinVar variation 4843148 (VCV004843148.1).

ClinVar aggregate classification (germline): Uncertain significance (1 of 4 stars; one submission).

Conditions:
Inborn genetic diseases. Identifiers: MedGen C0950123, MeSH D030342.

Submission:

Ambry Genetics
Classification: Uncertain significance for Inborn genetic diseases. Last evaluated: 2026-01-14. Review status: criteria provided, single submitter. Criteria: Ambry Variant Classification Scheme 2023. Collection method: clinical testing. Allele origin: germline.
Comment: The p.D1241G variant (also known as c.3722A>G), located in coding exon 1 of the SAMD9 gene, results from an A to G substitution at nucleotide position 3722. The aspartic acid at codon 1241 is replaced by glycine, an amino acid with similar properties. This amino acid position is conserved. In addition, this alteration is predicted to be tolerated by in silico analysis. Based on the available evidence, the clinical significance of this variant remains unclear.